The following is an entry in ClinVar:

ClinVar aggregate classification (germline): Likely benign (1 of 4 stars; one submission).

Submission:

GeneDx
Classification: Likely benign. Last evaluated: 2016-12-15. Review status: criteria provided, single submitter. Criteria: GeneDx Variant Classification (06012015). Collection method: clinical testing. Allele origin: germline. Affected: yes.
Comment: This variant is considered likely benign or benign based on one or more of the following criteria: it is a conservative change, it occurs at a poorly conserved position in the protein, it is predicted to be benign by multiple in silico algorithms, and/or has population frequency not consistent with disease.

NM_020297.4(ABCC9):c.3246-10T>C

Gene: ABCC9 (ATP binding cassette subfamily C member 9; minus strand). Cytogenetic location: 12p12.1.
Variant type: single nucleotide variant.
Coding change: c.3246-10T>C on transcript NM_020297.4 (MANE Select); 10 bases into the intron before coding-DNA position 3246, T replaced by C.
Molecular consequence: intron variant.
Genome position (GRCh38, 1-based): chr12:21,844,562, A>G on the plus strand (T>C on the coding strand, the complement: ABCC9 is on the minus strand). VCF-style: chr12-21844562-A-G. GRCh37 (hg19) VCF-style: chr12-21997496-A-G.
Other names: c.2379-10T>C (NM_001377274.1); c.3246-10T>C (NM_005691.4, NM_001377273.1).
Identifiers: ClinVar variation 391748 (VCV000391748.1), dbSNP rs1057524220, ClinGen allele CA16606234.